The following is an entry in ClinVar:

NM_004655.4(AXIN2):c.953G>A (p.Ser318Asn)

Gene: AXIN2 (axin 2; minus strand). Cytogenetic location: 17q24.1.
Variant type: single nucleotide variant.
Coding change: c.953G>A on transcript NM_004655.4 (MANE Select); coding-DNA position 953, G replaced by A.
Protein change: p.Ser318Asn; replaces serine 318 with asparagine.
Molecular consequence: missense variant.
Genome position (GRCh38, 1-based): chr17:65,549,523, C>T on the plus strand (G>A on the coding strand, the complement: AXIN2 is on the minus strand). VCF-style: chr17-65549523-C-T. GRCh37 (hg19) VCF-style: chr17-63545641-C-T.
Other names: c.953G>A, p.Ser318Asn (NM_001363813.1); short protein forms S318N.
Identifiers: ClinVar variation 823322 (VCV000823322.4), dbSNP rs1598110303, ClinGen allele CA400679420.

ClinVar aggregate classification (germline): Uncertain significance (1 of 4 stars; one submission).

Conditions:
Hereditary cancer-predisposing syndrome. Also called: Tumor predisposition; Hereditary Cancer Syndrome; Neoplastic Syndromes, Hereditary; Hereditary neoplastic syndrome. Identifiers: Orphanet 140162, MedGen C0027672, MeSH D009386, MONDO:0015356.

Submission:

Ambry Genetics
Classification: Uncertain significance for Hereditary cancer-predisposing syndrome. Last evaluated: 2019-10-19. Review status: criteria provided, single submitter. Criteria: Ambry Variant Classification Scheme 2023. Collection method: clinical testing. Allele origin: germline.
Comment: The p.S318N variant (also known as c.953G>A), located in coding exon 2 of the AXIN2 gene, results from a G to A substitution at nucleotide position 953. The serine at codon 318 is replaced by asparagine, an amino acid with highly similar properties. This amino acid position is highly conserved in available vertebrate species. In addition, the in silico prediction for this alteration is inconclusive. Since supporting evidence is limited at this time, the clinical significance of this alteration remains unclear.